The following is an entry in ClinVar:

ClinVar aggregate classification (germline): Likely benign. Review status: criteria provided, multiple submitters, no conflicts (2 of 4 stars). 2 submissions from 2 submitters: Likely benign (2). Last evaluated 2023-11-01.

Conditions:
Pontocerebellar hypoplasia type 1A (PCH1A). Also called: PONTOCEREBELLAR HYPOPLASIA WITH ANTERIOR HORN CELL DISEASE; PONTOCEREBELLAR HYPOPLASIA WITH INFANTILE SPINAL MUSCULAR ATROPHY. Identifiers: Orphanet 2254, Orphanet 88616, MedGen C1843504, MONDO:0011866, OMIM 607596.

Allele frequency attached by ClinVar (database versions not stated): TOPMed below 0.00001; gnomAD 0.00001; gnomAD exomes 0.00001; ExAC 0.00002.
gnomAD v4.1: 7 of 1,613,668 alleles (0.00043%); highest among the groups gnomAD compares: South Asian, 0.0011%; no homozygotes.

Submissions (2):

Labcorp Genetics (formerly Invitae), Labcorp
Classification: Likely benign for Pontocerebellar hypoplasia type 1A. Last evaluated: 2023-11-01. Review status: criteria provided, single submitter. Criteria: Invitae Variant Classification Sherloc (09022015). Collection method: clinical testing. Allele origin: germline.

GeneDx
Classification: Likely benign. Last evaluated: 2016-07-20. Review status: criteria provided, single submitter. Criteria: GeneDx Variant Classification (06012015). Collection method: clinical testing. Allele origin: germline. Affected: yes.
Comment: This variant is considered likely benign or benign based on one or more of the following criteria: it is a conservative change, it occurs at a poorly conserved position in the protein, it is predicted to be benign by multiple in silico algorithms, and/or has population frequency not consistent with disease.

NM_003384.3(VRK1):c.846T>C (p.Ile282=)

Gene: VRK1 (VRK serine/threonine kinase 1; plus strand). Cytogenetic location: 14q32.2.
Variant type: single nucleotide variant.
Coding change: c.846T>C on transcript NM_003384.3 (MANE Select); coding-DNA position 846, T replaced by C.
Protein change: p.Ile282=; no amino-acid change (isoleucine 282 retained).
Molecular consequence: synonymous variant.
Genome position (GRCh38, 1-based): chr14:96,856,543, T>C. VCF-style: chr14-96856543-T-C. GRCh37 (hg19) VCF-style: chr14-97322880-T-C.
Identifiers: ClinVar variation 387303 (VCV000387303.10), dbSNP rs759546376, ClinGen allele CA7339103.